The following is an entry in ClinVar:

NM_144672.4(OTOA):c.86G>A (p.Arg29Lys)

Gene: OTOA (otoancorin). Cytogenetic location: 16p12.2.
Variant type: single nucleotide variant.
Coding change: c.86G>A on transcript NM_144672.4 (MANE Select); coding-DNA position 86, G replaced by A.
Protein change: p.Arg29Lys; replaces arginine 29 with lysine.
Molecular consequence: missense variant.
Genome position (GRCh38, 1-based): chr16:21,678,600, G>A. VCF-style: chr16-21678600-G-A. GRCh37 (hg19) VCF-style: chr16-21689921-G-A.
Other names: short protein forms R29K.
Identifiers: ClinVar variation 1303796 (VCV001303796.4), dbSNP rs2141652614, ClinGen allele CA395050703.

ClinVar aggregate classification (germline): Uncertain significance. Review status: criteria provided, multiple submitters, no conflicts (2 of 4 stars). 2 submissions from 2 submitters: Uncertain significance (2). Last evaluated 2023-02-22.

Conditions:
Inborn genetic diseases. Identifiers: MedGen C0950123, MeSH D030342.

Allele frequency attached by ClinVar (database versions not stated): gnomAD exomes below 0.00001.

Submissions (2):

Ambry Genetics
Classification: Uncertain significance for Inborn genetic diseases. Last evaluated: 2023-02-22. Review status: criteria provided, single submitter. Criteria: Ambry Variant Classification Scheme 2023. Collection method: clinical testing. Allele origin: germline.

GeneDx
Classification: Uncertain significance. Last evaluated: 2020-03-03. Review status: criteria provided, single submitter. Criteria: GeneDx Variant Classification Process June 2021. Collection method: clinical testing. Allele origin: germline. Affected: yes.
Comment: Not observed in large population cohorts (Lek et al., 2016); In silico analysis supports that this missense variant does not alter protein structure/function; Has not been previously published as pathogenic or benign to our knowledge